The following is an entry in ClinVar:

ClinVar aggregate classification (germline): Uncertain significance (1 of 4 stars; one submission).

Allele frequency attached by ClinVar (database versions not stated): gnomAD 0.00001; ExAC 0.00002; TOPMed 0.00003.
gnomAD v4.1: 4 of 1,598,042 alleles (0.00025%); highest among the groups gnomAD compares: African/African-American, 0.0054%; no homozygotes.

Submission:

Labcorp Genetics (formerly Invitae), Labcorp
Classification: Uncertain significance. Last evaluated: 2023-05-06. Review status: criteria provided, single submitter. Criteria: Invitae Variant Classification Sherloc (09022015). Collection method: clinical testing. Allele origin: germline.
Comment: This variant has not been reported in the literature in individuals affected with COL2A1-related conditions. This variant is present in population databases (rs754799099, gnomAD 0.02%). This sequence change falls in intron 30 of the COL2A1 gene. It does not directly change the encoded amino acid sequence of the COL2A1 protein. It affects a nucleotide within the consensus splice site. Variants that disrupt the consensus splice site are a relatively common cause of aberrant splicing (PMID: 17576681, 9536098). Algorithms developed to predict the effect of sequence changes on RNA splicing suggest that this variant is not likely to affect RNA splicing. In summary, the available evidence is currently insufficient to determine the role of this variant in disease. Therefore, it has been classified as a Variant of Uncertain Significance.

Literature cited by the submitters: PubMed 17576681; PubMed 9536098.

NM_001844.5(COL2A1):c.1995+3A>T

Gene: COL2A1 (collagen type II alpha 1 chain; minus strand). Cytogenetic location: 12q13.11.
Variant type: single nucleotide variant.
Coding change: c.1995+3A>T on transcript NM_001844.5 (MANE Select); 3 bases into the intron after coding-DNA position 1995, A replaced by T.
Molecular consequence: intron variant.
Genome position (GRCh38, 1-based): chr12:47,983,680, T>A on the plus strand (A>T on the coding strand, the complement: COL2A1 is on the minus strand). VCF-style: chr12-47983680-T-A. GRCh37 (hg19) VCF-style: chr12-48377463-T-A.
Other names: c.1788+3A>T (NM_033150.3).
Identifiers: ClinVar variation 3001744 (VCV003001744.3), dbSNP rs754799099, ClinGen allele CA6535301.